The following is an entry in ClinVar:

ClinVar aggregate classification (germline): Uncertain significance (1 of 4 stars; one submission).

Submission:

Labcorp Genetics (formerly Invitae), Labcorp
Classification: Uncertain significance. Last evaluated: 2022-05-27. Review status: criteria provided, single submitter. Criteria: Invitae Variant Classification Sherloc (09022015). Collection method: clinical testing. Allele origin: germline.
Comment: In summary, the available evidence is currently insufficient to determine the role of this variant in disease. Therefore, it has been classified as a Variant of Uncertain Significance. Algorithms developed to predict the effect of missense changes on protein structure and function are either unavailable or do not agree on the potential impact of this missense change (SIFT: "Deleterious"; PolyPhen-2: "Possibly Damaging"; Align-GVGD: "Class C15"). This variant has not been reported in the literature in individuals affected with KARS-related conditions. This variant is not present in population databases (gnomAD no frequency). This sequence change replaces tyrosine, which is neutral and polar, with phenylalanine, which is neutral and non-polar, at codon 259 of the KARS protein (p.Tyr259Phe).

NM_005548.3(KARS1):c.692A>T (p.Tyr231Phe)

Gene: KARS1 (lysyl-tRNA synthetase 1; minus strand). Cytogenetic location: 16q23.1.
Variant type: single nucleotide variant.
Coding change: c.692A>T on transcript NM_005548.3 (MANE Select); coding-DNA position 692, A replaced by T.
Protein change: p.Tyr231Phe; replaces tyrosine 231 with phenylalanine.
Molecular consequence: missense variant.
Genome position (GRCh38, 1-based): chr16:75,635,783, T>A on the plus strand (A>T on the coding strand, the complement: KARS1 is on the minus strand). VCF-style: chr16-75635783-T-A. GRCh37 (hg19) VCF-style: chr16-75669681-T-A.
Other names: c.776A>T, p.Tyr259Phe (NM_001130089.2); c.224A>T, p.Tyr75Phe (NM_001378148.1); short protein forms Y231F, Y259F, Y75F.
Identifiers: ClinVar variation 1995849 (VCV001995849.4), dbSNP rs761711998, ClinGen allele CA396813551.